The following is an entry in ClinVar:

NM_001161352.2(KCNMA1):c.378+12_378+13delinsAA

Gene: KCNMA1 (potassium calcium-activated channel subfamily M alpha 1; minus strand). Cytogenetic location: 10q22.3.
Variant type: Indel.
Coding change: c.378+12_378+13delinsAA on transcript NM_001161352.2 (MANE Select); bases 12 to 13 of the intron after coding-DNA position 378, CC replaced by AA.
Molecular consequence: intron variant.
Genome position (GRCh38, 1-based): chr10:77,637,252-77,637,253, GG replaced by TT on the plus strand (CC replaced by AA on the coding strand, the reverse complement: KCNMA1 is on the minus strand). VCF-style: chr10-77637252-GG-TT. GRCh37 (hg19) VCF-style: chr10-79397010-GG-TT.
Other names: c.378+12_378+13delinsAA (NM_001271518.2, NM_001322832.2, NM_001322829.2 and 12 more transcripts).
Identifiers: ClinVar variation 2021345 (VCV002021345.4), dbSNP rs2552275269, ClinGen allele CA2580081994.

ClinVar aggregate classification (germline): Uncertain significance (1 of 4 stars; one submission).

Conditions:
Generalized epilepsy-paroxysmal dyskinesia syndrome (PNKD3). Also called: Generalized epilepsy and paroxysmal dyskinesia; Paroxysmal nonkinesigenic dyskinesia, 3, with or without generalized epilepsy. Identifiers: Orphanet 79137, MedGen C5574945, MONDO:0012276, OMIM 609446.

Submission:

Labcorp Genetics (formerly Invitae), Labcorp
Classification: Uncertain significance for Generalized epilepsy-paroxysmal dyskinesia syndrome. Last evaluated: 2022-09-27. Review status: criteria provided, single submitter. Criteria: Invitae Variant Classification Sherloc (09022015). Collection method: clinical testing. Allele origin: germline.
Comment: Information on the frequency of this variant in the gnomAD database is not available, as this variant may be reported differently in the database. In summary, the available evidence is currently insufficient to determine the role of this variant in disease. Therefore, it has been classified as a Variant of Uncertain Significance. Experimental studies and prediction algorithms are not available or were not evaluated, and the effect of this variant on mRNA splicing is currently unknown. This variant has not been reported in the literature in individuals affected with KCNMA1-related conditions. This sequence change falls in intron 1 of the KCNMA1 gene. It does not directly change the encoded amino acid sequence of the KCNMA1 protein.